The following is an entry in ClinVar:

ClinVar aggregate classification (germline): Benign (1 of 4 stars; one submission).

Allele frequency attached by ClinVar (database versions not stated): gnomAD 0.75007 and 0.75707; TOPMed 0.76127; 1000 Genomes Project 0.83606; 1000 Genomes Project 30x 0.83823.
gnomAD v4.1: 1,142,620 of 1,580,392 alleles (72%); highest among the groups gnomAD compares: East Asian, 97%; 417,089 homozygotes.

Submission:

GeneDx
Classification: Benign. Last evaluated: 2018-06-13. Review status: criteria provided, single submitter. Criteria: GeneDx Variant Classification (06012015). Collection method: clinical testing. Allele origin: germline. Affected: yes.
Comment: This variant is considered likely benign or benign based on one or more of the following criteria: it is a conservative change, it occurs at a poorly conserved position in the protein, it is predicted to be benign by multiple in silico algorithms, and/or has population frequency not consistent with disease.

NM_080680.3(COL11A2):c.3474+89A>G

Gene: COL11A2 (collagen type XI alpha 2 chain; minus strand). Cytogenetic location: 6p21.32.
Variant type: single nucleotide variant.
Coding change: c.3474+89A>G on transcript NM_080680.3 (MANE Select); 89 bases into the intron after coding-DNA position 3474, A replaced by G.
Molecular consequence: intron variant.
Genome position (GRCh38, 1-based): chr6:33,170,721, T>C on the plus strand (A>G on the coding strand, the complement: COL11A2 is on the minus strand). VCF-style: chr6-33170721-T-C. GRCh37 (hg19) VCF-style: chr6-33138498-T-C.
Other names: c.3153+89A>G (NM_080679.3); c.3216+89A>G (NM_080681.3).
Identifiers: ClinVar variation 674778 (VCV000674778.1), dbSNP rs2855440, ClinGen allele CA12189106.